The following is an entry in ClinVar:

NM_000512.5(GALNS):c.535C>T (p.Pro179Ser)

Gene: GALNS (galactosamine (N-acetyl)-6-sulfatase; minus strand). Cytogenetic location: 16q24.3.
Variant type: single nucleotide variant.
Coding change: c.535C>T on transcript NM_000512.5 (MANE Select); coding-DNA position 535, C replaced by T.
Protein change: p.Pro179Ser; replaces proline 179 with serine.
Molecular consequence: missense variant. On other transcripts: 5 prime UTR variant (1).
Genome position (GRCh38, 1-based): chr16:88,837,653, G>A on the plus strand (C>T on the coding strand, the complement: GALNS is on the minus strand). VCF-style: chr16-88837653-G-A. GRCh37 (hg19) VCF-style: chr16-88904061-G-A.
Other names: c.-21C>T (NM_001323543.2); c.553C>T, p.Pro185Ser (NM_001323544.2); short protein forms P179S, P185S.
Identifiers: ClinVar variation 1048287 (VCV001048287.6), dbSNP rs2143002341, ClinGen allele CA397082740.

ClinVar aggregate classification (germline): Conflicting classifications of pathogenicity. Review status: criteria provided, conflicting classifications (1 of 4 stars). 3 submissions from 3 submitters: Likely pathogenic (2); Uncertain significance (1). Last evaluated 2026-06-01.

Conditions:
Morquio syndrome. Also called: Eccentrochondrodysplasia; Mucopolysaccharidosis, Type IV; MPS IV; Mucopolysaccharidosis type 4. Identifiers: Orphanet 582, MedGen C0026707, MONDO:0018938.
Mucopolysaccharidosis, MPS-IV-A (MPS4A). Also called: mucopolysaccharidosis type 4A; GALACTOSAMINE-6-SULFATASE DEFICIENCY; GALNS DEFICIENCY; MPS IVA; Mucopolysaccharidosis type IV A; MORQUIO SYNDROME A. Identifiers: Orphanet 309297, Orphanet 582, MedGen C0086651, MONDO:0009659, OMIM 253000.

Submissions (3):

CeGaT Center for Human Genetics Tuebingen
Classification: Likely pathogenic. Last evaluated: 2026-06-01. Review status: criteria provided, single submitter. Criteria: CeGaT Center For Human Genetics Tuebingen Variant Classification Criteria Version 2. Collection method: clinical testing. Allele origin: germline. Affected: yes. Observed: 1 variant allele.
Comment: GALNS: PM3:Strong, PM2

Women's Health and Genetics/Laboratory Corporation of America, LabCorp
Classification: Likely pathogenic for Morquio syndrome. Last evaluated: 2025-09-05. Review status: criteria provided, single submitter. Criteria: LabCorp Variant Classification Summary - May 2015. Collection method: clinical testing. Allele origin: germline.
Comment: Variant summary: GALNS c.535C>T (p.Pro179Ser) results in a non-conservative amino acid change in the encoded protein sequence. Algorithms developed to predict the effect of missense changes on protein structure and function all suggest that this variant is likely to be disruptive. The variant was absent in 251338 control chromosomes. c.535C>T has been observed in individual(s) affected with Mucopolysaccharidosis Type IVA (Morquio Syndrome A) (Cozma_2015, Terzioglu_2002). These data indicate that the variant is likely to be associated with disease. At least one publication reports experimental evidence evaluating an impact on protein function (Cozma_2015). The most pronounced variant effect results in <10% of normal activity. The following publications have been ascertained in the context of this evaluation (PMID: 26147980, 12442278). ClinVar contains an entry for this variant (Variation ID: 1048287). Based on the evidence outlined above, the variant was classified as likely pathogenic.

Laboratory of Diagnosis and Therapy of Lysosomal Disorders, University of Padova
Classification: Uncertain significance for Mucopolysaccharidosis, MPS-IV-A. Last evaluated: 2021-02-01. Review status: criteria provided, single submitter. Criteria: ACMG Guidelines, 2015. Collection method: curation. Allele origin: germline. Affected: yes.
Comment: In vivo functional studies supportive of a damaging effect on the gene product (low to null enzymatic activity in homozygotes; PS3_supporting); absent from gnomAD v2.1.1 (PM2_moderate); multiple lines of computational evidence support a deleterious effect on the gene (PP3_supporting)

Literature cited by the submitters: PubMed 26147980 (cited by Women's Health and Genetics/Laboratory Corporation of America, LabCorp and Laboratory of Diagnosis and Therapy of Lysosomal Disorders, University of Padova); PubMed 12442278 (cited by Women's Health and Genetics/Laboratory Corporation of America, LabCorp and Laboratory of Diagnosis and Therapy of Lysosomal Disorders, University of Padova); PubMed 24726177 (cited by Laboratory of Diagnosis and Therapy of Lysosomal Disorders, University of Padova); PubMed 34387910 (cited by Laboratory of Diagnosis and Therapy of Lysosomal Disorders, University of Padova).